The following is an entry in ClinVar:

ClinVar aggregate classification (germline): Likely benign. Review status: criteria provided, single submitter (1 of 4 stars). 2 submissions from 2 submitters: Likely benign (1). 1 of the submissions does not count toward it. Last evaluated 2024-03-07.

Conditions:
UBE3B-related disorder. Also called: UBE3B-related condition.

Allele frequency attached by ClinVar (database versions not stated): ExAC 0.00006; gnomAD exomes 0.00009; gnomAD 0.00011; TOPMed 0.00015; ESP Exome Variant Server 0.00023.
gnomAD v4.1: 150 of 1,613,914 alleles (0.0093%); highest among the groups gnomAD compares: African/African-American, 0.024%; no homozygotes.

Submissions (2):

Labcorp Genetics (formerly Invitae), Labcorp
Classification: Likely benign. Last evaluated: 2024-03-07. Review status: criteria provided, single submitter. Criteria: Invitae Variant Classification Sherloc (09022015). Collection method: clinical testing. Allele origin: germline.

PreventionGenetics, part of Exact Sciences
Classification: Likely benign for UBE3B-related condition. Last evaluated: 2019-03-13. Review status: no assertion criteria provided. Collection method: clinical testing. Allele origin: germline. Not counted in ClinVar's aggregate classification.
Comment: This variant is classified as likely benign based on ACMG/AMP sequence variant interpretation guidelines (Richards et al. 2015 PMID: 25741868, with internal and published modifications).

NM_130466.4(UBE3B):c.2379C>T (p.Asp793=)

Gene: UBE3B (ubiquitin protein ligase E3B; plus strand). Cytogenetic location: 12q24.11.
Variant type: single nucleotide variant.
Coding change: c.2379C>T on transcript NM_130466.4 (MANE Select); coding-DNA position 2379, C replaced by T.
Protein change: p.Asp793=; no amino-acid change (aspartic acid 793 retained).
Molecular consequence: synonymous variant.
Genome position (GRCh38, 1-based): chr12:109,523,992, C>T. VCF-style: chr12-109523992-C-T. GRCh37 (hg19) VCF-style: chr12-109961797-C-T.
Other names: c.2379C>T (NM_130466.3); c.2379C>T, p.Asp793= (NM_183415.3).
Identifiers: ClinVar variation 2725820 (VCV002725820.5), dbSNP rs143424446, ClinGen allele CA6778205.